The following is an entry in ClinVar:

ClinVar aggregate classification (germline): Conflicting classifications of pathogenicity. Review status: criteria provided, conflicting classifications (1 of 4 stars). 10 submissions from 10 submitters: Uncertain significance (3); Likely benign (6). 1 of the submissions does not count toward it. Last evaluated 2026-01-26.

Conditions:
Cardiac arrhythmia. Also called: Arrhythmia; Cardiac rhythm disease. Identifiers: MedGen C0003811, MONDO:0007263, HP:0011675.
Cardiovascular phenotype. Identifiers: MedGen CN230736.
Cardiomyopathy (CMYO). Also called: Cardiomyopathies. Identifiers: Orphanet 167848, MedGen C0878544, MONDO:0004994, HP:0001638. Inheritance: Various modes of inheritance.
Catecholaminergic polymorphic ventricular tachycardia 1. Also called: VENTRICULAR TACHYCARDIA, CATECHOLAMINERGIC POLYMORPHIC, 1, WITH OR WITHOUT ATRIAL DYSFUNCTION AND/OR DILATED CARDIOMYOPATHY; RYR2-Related Catecholaminergic Polymorphic Ventricular Tachycardia; VENTRICULAR TACHYCARDIA, STRESS-INDUCED POLYMORPHIC 1. Identifiers: Orphanet 3286, MedGen C1631597, MONDO:0011484, OMIM 604772.

Allele frequency attached by ClinVar (database versions not stated): TOPMed 0.00010; gnomAD 0.00013; gnomAD exomes 0.00014; ExAC 0.00015.
gnomAD v4.1: 423 of 1,613,886 alleles (0.026%); highest among the groups gnomAD compares: Non-Finnish European, 0.032%; no homozygotes.

Submissions (10):

Labcorp Genetics (formerly Invitae), Labcorp
Classification: Likely benign for Catecholaminergic polymorphic ventricular tachycardia 1. Last evaluated: 2026-01-26. Review status: criteria provided, single submitter. Criteria: Invitae Variant Classification Sherloc (09022015). Collection method: clinical testing. Allele origin: germline.

Blueprint Genetics
Classification: Likely benign. Last evaluated: 2024-11-13. Review status: criteria provided, single submitter. Criteria: ACMG Guidelines, 2015. Collection method: clinical testing. Allele origin: germline.

CeGaT Center for Human Genetics Tuebingen
Classification: Uncertain significance. Last evaluated: 2023-06-01. Review status: criteria provided, single submitter. Criteria: CeGaT Center For Human Genetics Tuebingen Variant Classification Criteria Version 2. Collection method: clinical testing. Allele origin: germline. Affected: yes. Observed: 1 variant allele.

Ambry Genetics
Classification: Likely benign for Cardiovascular phenotype. Last evaluated: 2020-10-29. Review status: criteria provided, single submitter. Criteria: Ambry Variant Classification Scheme 2023. Collection method: clinical testing. Allele origin: germline.

Color Diagnostics, LLC DBA Color Health
Classification: Likely benign for Cardiomyopathy. Last evaluated: 2019-11-18. Review status: criteria provided, single submitter. Criteria: ACMG Guidelines, 2015. Collection method: clinical testing. Allele origin: germline.

GeneDx
Classification: Likely benign. Last evaluated: 2019-08-27. Review status: criteria provided, single submitter. Criteria: GeneDx Variant Classification Process June 2021. Collection method: clinical testing. Allele origin: germline. Affected: yes.

Laboratory for Molecular Medicine, Mass General Brigham Personalized Medicine
Classification: Likely benign. Last evaluated: 2014-01-21. Review status: criteria provided, single submitter. Criteria: LMM Criteria. Collection method: clinical testing. Allele origin: germline. Observed: 3 variant alleles.
Comment: Arg1084Lys in exon 28 of RYR2: This variant is not expected to have clinical sig nificance due to a lack of conservation across species, including mammals. Of no te, opossum, tasmanian devil, and wallaby have a lysine (Lys) at this position a s well as several birds and reptiles despite high nearby amino acid conservation . In addition, computational analyses (AlignGVGD, PolyPhen2, SIFT) do not sugges t a high likelihood of impact to the protein. Arg1084Lys in exon 28 of RYR2 (rs 193922624; allele frequency = n/a)

Biesecker Lab/Clinical Genomics Section, National Institutes of Health
Classification: Uncertain significance. Last evaluated: 2013-06-24. Review status: criteria provided, single submitter. Criteria: Ng et al. (Circ Cardiovasc Genet. 2013). Collection method: research. Allele origin: unknown. Observed: 1 variant allele. Study: ClinSeq.
Comment: The study set was not selected for affection status in relation to any cancer. Pathogenicity categories were based on literature curation. See Pubmed ID:23861362 for details.

Medical sequencing

Stanford Center for Inherited Cardiovascular Disease, Stanford University
Classification: Uncertain significance. Last evaluated: 2011-04-14. Review status: criteria provided, single submitter. Criteria: ACMG Guidelines, 2015. Collection method: provider interpretation. Allele origin: germline.

Women's Health and Genetics/Laboratory Corporation of America, LabCorp
Classification: Likely benign for Arrhythmia. Last evaluated: 2015-10-02. Review status: no assertion criteria provided. Collection method: clinical testing. Allele origin: germline. Not counted in ClinVar's aggregate classification.

NM_001035.3(RYR2):c.3251G>A (p.Arg1084Lys)

Gene: RYR2 (ryanodine receptor 2; plus strand). Cytogenetic location: 1q43.
Variant type: single nucleotide variant.
Coding change: c.3251G>A on transcript NM_001035.3 (MANE Select); coding-DNA position 3251, G replaced by A.
Protein change: p.Arg1084Lys; replaces arginine 1084 with lysine.
Molecular consequence: missense variant.
Genome position (GRCh38, 1-based): chr1:237,566,603, G>A. VCF-style: chr1-237566603-G-A. GRCh37 (hg19) VCF-style: chr1-237729903-G-A.
Other names: p.R1084K:AGG>AAG; short protein forms R1084K.
Identifiers: ClinVar variation 36740 (VCV000036740.52), dbSNP rs193922624, ClinGen allele CA009157.